The following is an entry in ClinVar:

NM_025114.4(CEP290):c.2433del (p.Lys811fs)

Gene: CEP290 (centrosomal protein 290; minus strand). Cytogenetic location: 12q21.32.
Variant type: Deletion.
Coding change: c.2433del on transcript NM_025114.4 (MANE Select); coding-DNA position 2433, one base deleted (A; older notation c.2433delA).
Protein change: p.Lys811fs; shifts the reading frame from lysine 811.
Molecular consequence: frameshift variant.
Genome position (GRCh38, 1-based): chr12:88,109,116, T deleted on the plus strand (A on the coding strand, the reverse complement: CEP290 is on the minus strand); the first of 4 consecutive T bases (chr12:88,109,116-88,109,119); deleting any one gives the same sequence. VCF-style (leftmost placement, unchanged base first): chr12-88109115-AT-A. GRCh37 (hg19) VCF-style: chr12-88502892-AT-A.
Other names: short protein forms K811fs.
Identifiers: ClinVar variation 1456534 (VCV001456534.9), dbSNP rs2137663442, ClinGen allele CA2573149021.
Genomic context (GRCh38, chr12:88,109,115, plus strand): 5'-AATACCTATACCTTAGGTATTCTTTATACAACAAACTTTGTTGATGACGAATTACAGCAA[AT>A]TTTCTGTTGTAATCTTCAAGAGAATCTTCTAAATTCTTTAACTTTTTTTCTTTATTTTCT-3'

ClinVar aggregate classification (germline): Pathogenic/Likely pathogenic. Review status: criteria provided, multiple submitters, no conflicts (2 of 4 stars). 3 submissions from 3 submitters: Pathogenic (1); Likely pathogenic (2). Last evaluated 2025-11-18.

Conditions:
Nephronophthisis. Also called: Juvenile Nephronophthisis. Identifiers: Orphanet 655, MedGen C0687120, MONDO:0019005, HP:0000090.
Meckel-Gruber syndrome. Also called: Dysencephalia splachnocystica; DYSENCEPHALIA SPLANCHNOCYSTICA; GRUBER SYNDROME. Identifiers: Orphanet 564, MedGen C0265215, MONDO:0018921.
Joubert syndrome. Also called: JOUBERT-BOLTSHAUSER SYNDROME; Familial aplasia of the vermis. Identifiers: Orphanet 475, MedGen C5979921, MONDO:0018772.
Bardet-Biedl syndrome 14 (BBS14). Identifiers: Orphanet 110, MedGen C2673874, MONDO:0014442, OMIM 615991.

Submissions (3):

Dasa
Classification: Likely pathogenic. Last evaluated: 2025-11-18. Review status: criteria provided, single submitter. Criteria: DASA Assertion Criteria. Collection method: clinical testing. Allele origin: germline.
Comment: NM_025114.4(CEP290):c.2433del (p.Lys811Asnfs*4) is a frameshift variant in CEP290 predicted to alter the reading frame and introduce a premature termination codon and is predicted to result in an absent or altered protein product. Loss of function is an established disease mechanism for CEP290-associated disorders. Also, this variant is rare in population databases. Based on the currently available evidence, this variant is classified as likely pathogenic.

Labcorp Genetics (formerly Invitae), Labcorp
Classification: Pathogenic for Joubert syndrome; Meckel-Gruber syndrome; Nephronophthisis. Last evaluated: 2025-06-03. Review status: criteria provided, single submitter. Criteria: Invitae Variant Classification Sherloc (09022015). Collection method: clinical testing. Allele origin: germline.
Comment: This sequence change creates a premature translational stop signal (p.Lys811Asnfs*4) in the CEP290 gene. It is expected to result in an absent or disrupted protein product. Loss-of-function variants in CEP290 are known to be pathogenic (PMID: 16909394, 17345604, 20690115). This variant is not present in population databases (gnomAD no frequency). This variant has not been reported in the literature in individuals affected with CEP290-related conditions. ClinVar contains an entry for this variant (Variation ID: 1456534). Algorithms developed to predict the effect of sequence changes on RNA splicing suggest that this variant may disrupt the consensus splice site. For these reasons, this variant has been classified as Pathogenic.

Baylor Genetics
Classification: Likely pathogenic for Bardet-Biedl syndrome 14. Last evaluated: 2023-02-21. Review status: criteria provided, single submitter. Criteria: ACMG Guidelines, 2015. Collection method: clinical testing. Allele origin: unknown.

Literature cited by the submitters: PubMed 16909394 (cited by Labcorp Genetics (formerly Invitae), Labcorp); PubMed 17345604 (cited by Labcorp Genetics (formerly Invitae), Labcorp); PubMed 20690115 (cited by Labcorp Genetics (formerly Invitae), Labcorp).